The following is an entry in ClinVar:

NM_000548.5(TSC2):c.2407C>T (p.Gln803Ter)

Gene: TSC2 (TSC complex subunit 2; plus strand). Cytogenetic location: 16p13.3.
Variant type: single nucleotide variant.
Coding change: c.2407C>T on transcript NM_000548.5 (MANE Select); coding-DNA position 2407, C replaced by T.
Protein change: p.Gln803Ter; replaces glutamine 803 with a stop codon.
Molecular consequence: nonsense.
Genome position (GRCh38, 1-based): chr16:2,074,251, C>T. VCF-style: chr16-2074251-C-T. GRCh37 (hg19) VCF-style: chr16-2124252-C-T.
Other names: c.2407C>T, p.Gln803Ter (NM_001077183.3, NM_001114382.3, NM_001363528.2 and 3 more transcripts); c.2296C>T, p.Gln766Ter (NM_001318827.2); c.2260C>T, p.Gln754Ter (NM_001318829.2); c.1807C>T, p.Gln603Ter (NM_001318831.2); c.2440C>T, p.Gln814Ter (NM_001318832.2); short protein forms Q803*, Q603*, Q754*, Q766*, Q814*.
Identifiers: ClinVar variation 49207 (VCV000049207.11), dbSNP rs45517234, ClinGen allele CA017379.

ClinVar aggregate classification (germline): Pathogenic. Review status: criteria provided, single submitter (1 of 4 stars). 2 submissions from 2 submitters: Pathogenic (1). 1 of the submissions does not count toward it. Last evaluated 2024-02-15.

Conditions:
Tuberous sclerosis syndrome (TSC). Also called: Tuberous Sclerosis Complex; Tuberous sclerosis. Identifiers: Orphanet 805, MedGen C0041341, MONDO:0001734.
Tuberous sclerosis 2 (TSC2). Identifiers: Orphanet 805, MedGen C1860707, MONDO:0013199, OMIM 613254.

Submissions (2):

Labcorp Genetics (formerly Invitae), Labcorp
Classification: Pathogenic for Tuberous sclerosis 2. Last evaluated: 2024-02-15. Review status: criteria provided, single submitter. Criteria: Invitae Variant Classification Sherloc (09022015). Collection method: clinical testing. Allele origin: germline.
Comment: This sequence change creates a premature translational stop signal (p.Gln803*) in the TSC2 gene. It is expected to result in an absent or disrupted protein product. Loss-of-function variants in TSC2 are known to be pathogenic (PMID: 10205261, 17304050). This variant is not present in population databases (gnomAD no frequency). This premature translational stop signal has been observed in individual(s) with clinical features of TSC2-related conditions (PMID: 21520333). ClinVar contains an entry for this variant (Variation ID: 49207). For these reasons, this variant has been classified as Pathogenic.

Tuberous sclerosis database (TSC2)
No classification provided. Condition: TSC. Review status: no classification provided. Criteria: Tuberous Sclerosis Database Assertion Criteria 2015. Collection method: curation. Allele origin: germline. Affected: yes. Not counted in ClinVar's aggregate classification.

Literature cited by the submitters: PubMed 10205261 (cited by Labcorp Genetics (formerly Invitae), Labcorp); PubMed 17304050 (cited by Labcorp Genetics (formerly Invitae), Labcorp); PubMed 21520333 (cited by Labcorp Genetics (formerly Invitae), Labcorp).